The following is an entry in ClinVar:

NM_002691.4(POLD1):c.116C>G (p.Ala39Gly)

Gene: POLD1 (DNA polymerase delta 1, catalytic subunit; plus strand). Cytogenetic location: 19q13.33.
Variant type: single nucleotide variant.
Coding change: c.116C>G on transcript NM_002691.4 (MANE Select); coding-DNA position 116, C replaced by G.
Protein change: p.Ala39Gly; replaces alanine 39 with glycine.
Molecular consequence: missense variant. On other transcripts: non-coding transcript variant (1).
Genome position (GRCh38, 1-based): chr19:50,398,967, C>G. VCF-style: chr19-50398967-C-G. GRCh37 (hg19) VCF-style: chr19-50902224-C-G.
Other names: c.116C>G, p.Ala39Gly (NM_001256849.1, NM_001308632.1); short protein forms A39G.
Identifiers: ClinVar variation 1739130 (VCV001739130.3), dbSNP rs2038477930, ClinGen allele CA406970173.
Genomic context (GRCh38, chr19:50,398,967, plus strand): 5'-GTGGGGGCCTCTGGGATGATGATGATGCACCTCGGCCATCCCAATTCGAGGAGGACCTGG[C>G]ACTGATGGAGGAGATGGAGGCAGAACACAGGCTGCAGGAGCAGGAGGAGGAGGAGCTGCA-3'
Protein context (NP_002682.2, residues 29-49): PRPSQFEEDL[Ala39Gly]LMEEMEAEHR

ClinVar aggregate classification (germline): Uncertain significance (1 of 4 stars; one submission).

Conditions:
Hereditary cancer-predisposing syndrome. Also called: Hereditary Cancer Syndrome; Hereditary neoplastic syndrome; Neoplastic Syndromes, Hereditary; Tumor predisposition. Identifiers: Orphanet 140162, MedGen C0027672, MeSH D009386, MONDO:0015356.

Submission:

Ambry Genetics
Classification: Uncertain significance for Hereditary cancer-predisposing syndrome. Last evaluated: 2024-04-12. Review status: criteria provided, single submitter. Criteria: Ambry Variant Classification Scheme 2023. Collection method: clinical testing. Allele origin: germline.
Comment: The p.A39G variant (also known as c.116C>G), located in coding exon 1 of the POLD1 gene, results from a C to G substitution at nucleotide position 116. The alanine at codon 39 is replaced by glycine, an amino acid with similar properties. This amino acid position is conserved. In addition, this alteration is predicted to be tolerated by in silico analysis. Since supporting evidence is limited at this time, the clinical significance of this alteration remains unclear.